The following is an entry in ClinVar:

ClinVar aggregate classification (germline): Uncertain significance. Review status: criteria provided, multiple submitters, no conflicts (2 of 4 stars). 3 submissions from 3 submitters: Uncertain significance (2). 1 of the submissions does not count toward it. Last evaluated 2024-10-23.

Conditions:
Nephronophthisis. Also called: Juvenile Nephronophthisis. Identifiers: Orphanet 655, MedGen C0687120, MONDO:0019005, HP:0000090.
Joubert syndrome. Also called: Familial aplasia of the vermis; JOUBERT-BOLTSHAUSER SYNDROME. Identifiers: Orphanet 475, MedGen C5979921, MONDO:0018772.
Meckel-Gruber syndrome. Also called: DYSENCEPHALIA SPLANCHNOCYSTICA; Dysencephalia splachnocystica; GRUBER SYNDROME. Identifiers: Orphanet 564, MedGen C0265215, MONDO:0018921.
Retinal dystrophy. Also called: Inherited retinal dystrophy. Identifiers: Orphanet 71862, MedGen C0854723, MeSH D058499, MONDO:0019118, HP:0000556.

gnomAD v4.1: 2 of 1,538,820 alleles (0.00013%); highest among the groups gnomAD compares: Non-Finnish European, 0.00017%; no homozygotes.

Submissions (3):

Labcorp Genetics (formerly Invitae), Labcorp
Classification: Uncertain significance for Joubert syndrome; Meckel-Gruber syndrome; Nephronophthisis. Last evaluated: 2024-10-23. Review status: criteria provided, single submitter. Criteria: Invitae Variant Classification Sherloc (09022015). Collection method: clinical testing. Allele origin: germline.
Comment: This sequence change replaces glycine, which is neutral and non-polar, with valine, which is neutral and non-polar, at codon 1327 of the CEP290 protein (p.Gly1327Val). This variant is not present in population databases (gnomAD no frequency). This variant has not been reported in the literature in individuals affected with CEP290-related conditions. ClinVar contains an entry for this variant (Variation ID: 1362368). Invitae Evidence Modeling of protein sequence and biophysical properties (such as structural, functional, and spatial information, amino acid conservation, physicochemical variation, residue mobility, and thermodynamic stability) indicates that this missense variant is expected to disrupt CEP290 protein function with a positive predictive value of 80%. In summary, the available evidence is currently insufficient to determine the role of this variant in disease. Therefore, it has been classified as a Variant of Uncertain Significance.

Blueprint Genetics
Classification: Uncertain significance. Last evaluated: 2022-07-19. Review status: criteria provided, single submitter. Criteria: ACMG Guidelines, 2015. Collection method: clinical testing. Allele origin: germline.

Institute of Human Genetics, Univ. Regensburg, Univ. Regensburg
Classification: Uncertain significance for Retinal dystrophy. Last evaluated: 2021-01-01. Review status: no assertion criteria provided. Criteria: ACMG Guidelines, 2015. Collection method: clinical testing. Allele origin: germline. Affected: yes. Not counted in ClinVar's aggregate classification.

NM_025114.4(CEP290):c.3980G>T (p.Gly1327Val)

Gene: CEP290 (centrosomal protein 290; minus strand). Cytogenetic location: 12q21.32.
Variant type: single nucleotide variant.
Coding change: c.3980G>T on transcript NM_025114.4 (MANE Select); coding-DNA position 3980, G replaced by T.
Protein change: p.Gly1327Val; replaces glycine 1327 with valine.
Molecular consequence: missense variant.
Genome position (GRCh38, 1-based): chr12:88,089,081, C>A on the plus strand (G>T on the coding strand, the complement: CEP290 is on the minus strand). VCF-style: chr12-88089081-C-A. GRCh37 (hg19) VCF-style: chr12-88482858-C-A.
Other names: short protein forms G1327V.
Identifiers: ClinVar variation 1362368 (VCV001362368.9), dbSNP rs959651787, ClinGen allele CA241164071.